The following is an entry in ClinVar:

NM_006060.6(IKZF1):c.56dup (p.Val20fs)

Gene: IKZF1 (IKAROS family zinc finger 1; plus strand). Cytogenetic location: 7p12.2.
Variant type: Duplication.
Coding change: c.56dup on transcript NM_006060.6 (MANE Select); coding-DNA position 56, one base duplicated (C; older notation c.56dupC).
Protein change: p.Val20fs; shifts the reading frame from valine 20.
Molecular consequence: frameshift variant.
Genome position (GRCh38, 1-based): chr7:50,327,653, C duplicated; the last of 6 consecutive C bases (chr7:50,327,648-50,327,653); duplicating any one gives the same sequence. VCF-style (leftmost placement, unchanged base first): chr7-50327647-G-GC. GRCh37 (hg19) VCF-style: chr7-50367243-G-GC.
Other names: c.56dup, p.Val20fs (NM_001220765.3, NM_001220767.2, NM_001220768.2 and 14 more transcripts); short protein forms V20fs.
Identifiers: ClinVar variation 5000258 (VCV005000258.1).

ClinVar aggregate classification (germline): Uncertain significance (1 of 4 stars; one submission).

Conditions:
IKZF1-related disorder. Also called: IKZF1-related condition.

Submission:

PreventionGenetics, part of Exact Sciences
Classification: Uncertain significance for IKZF1-related condition. Last evaluated: 2026-03-18. Review status: criteria provided, single submitter. Criteria: ACMG Guidelines, 2015. Collection method: clinical testing. Allele origin: germline.
Comment: The IKZF1 c.56dupC variant is predicted to result in a frameshift and premature protein termination (p.Val20Cysfs*7). To our knowledge, this variant has not been reported in the literature or in a large population database (gnomAD), indicating this variant is rare. Although other loss-of-function variants have been reported in the IKZF1 gene, this variant is located upstream to all other loss-of-function variants. Although we suspect that this variant may be pathogenic, at this time, the clinical significance of this variant is uncertain due to the absence of conclusive functional and genetic evidence.